The following is an entry in ClinVar:

NM_006514.4(SCN10A):c.249T>G (p.Asp83Glu)

Gene: SCN10A (sodium voltage-gated channel alpha subunit 10; minus strand). Cytogenetic location: 3p22.2.
Variant type: single nucleotide variant.
Coding change: c.249T>G on transcript NM_006514.4 (MANE Select); coding-DNA position 249, T replaced by G.
Protein change: p.Asp83Glu; replaces aspartic acid 83 with glutamic acid.
Molecular consequence: missense variant.
Genome position (GRCh38, 1-based): chr3:38,793,762, A>C on the plus strand (T>G on the coding strand, the complement: SCN10A is on the minus strand). VCF-style: chr3-38793762-A-C. GRCh37 (hg19) VCF-style: chr3-38835253-A-C.
Other names: c.249T>G, p.Asp83Glu (NM_001293306.2, NM_001293307.2); short protein forms D83E.
Identifiers: ClinVar variation 3438155 (VCV003438155.1).
Genomic context (GRCh38, chr3:38,793,762, plus strand): 5'-CAAGAGCTGAGAGCAGACATTCCTACTAGTAGCTCTTACCCGGTGTGTGCTGTAGAACGG[A>C]TCTAGATCCTCCAGGGGCTCCCCGATCAGTTCTGCTGGGAGCTCACCATAGAACTTGGGC-3'
Protein context (NP_006505.4, residues 73-93): ELIGEPLEDL[Asp83Glu]PFYSTHRTFM

ClinVar aggregate classification (germline): Uncertain significance (1 of 4 stars; one submission).

Conditions:
Cardiovascular phenotype. Identifiers: MedGen CN230736.

gnomAD v4.1: 1 of 1,613,800 alleles (0.000062%); no homozygotes.

Submission:

Ambry Genetics
Classification: Uncertain significance for Cardiovascular phenotype. Last evaluated: 2024-11-18. Review status: criteria provided, single submitter. Criteria: Ambry Variant Classification Scheme 2023. Collection method: clinical testing. Allele origin: germline.
Comment: The p.D83E variant (also known as c.249T>G), located in coding exon 1 of the SCN10A gene, results from a T to G substitution at nucleotide position 249. The aspartic acid at codon 83 is replaced by glutamic acid, an amino acid with highly similar properties. This amino acid position is conserved. In addition, the in silico prediction for this alteration is inconclusive. Based on the available evidence, the clinical significance of this variant remains unclear.